The following is an entry in ClinVar:

NM_000135.4(FANCA):c.1994C>G (p.Thr665Arg)

Gene: FANCA (FA complementation group A; minus strand). Cytogenetic location: 16q24.3.
Variant type: single nucleotide variant.
Coding change: c.1994C>G on transcript NM_000135.4 (MANE Select); coding-DNA position 1994, C replaced by G.
Protein change: p.Thr665Arg; replaces threonine 665 with arginine.
Molecular consequence: missense variant.
Genome position (GRCh38, 1-based): chr16:89,773,291, G>C on the plus strand (C>G on the coding strand, the complement: FANCA is on the minus strand). VCF-style: chr16-89773291-G-C. GRCh37 (hg19) VCF-style: chr16-89839699-G-C.
Other names: c.1994C>G, p.Thr665Arg (NM_001286167.3); short protein forms T665R.
Identifiers: ClinVar variation 997615 (VCV000997615.5), dbSNP rs1481598103, ClinGen allele CA397449592.
Genomic context (GRCh38, chr16:89,773,291, plus strand): 5'-GCACACATGAGACACAGCATGAGCTCCCATCCATCCTCACCATCACGCTGGCTGGGGTCT[G>C]TCATGGAGGCTCTCAGCTCTCCCAGTGCAGCTGTGAGCTGTCCCAGGGGCTCCTCAGCAG-3'
Protein context (NP_000126.2, residues 655-675): AALGELRASM[Thr665Arg]DPSQRDVISA

ClinVar aggregate classification (germline): Uncertain significance. Review status: criteria provided, multiple submitters, no conflicts (2 of 4 stars). 3 submissions from 3 submitters: Uncertain significance (3). Last evaluated 2024-12-20.

Conditions:
Inborn genetic diseases. Identifiers: MedGen C0950123, MeSH D030342.
Fanconi anemia (FA). Also called: Fanconi's anemia. Identifiers: Orphanet 84, MedGen C0015625, MeSH D005199, MONDO:0019391.
Fanconi anemia complementation group A (FANCA). Also called: FANCA-Related Fanconi Anemia; Fanconi anemia, group A. Identifiers: Orphanet 84, MedGen C3469521, MONDO:0009215, OMIM 227650.

Allele frequency attached by ClinVar (database versions not stated): gnomAD exomes below 0.00001 and 0.00001; gnomAD 0.00003; TOPMed 0.00004.

Submissions (3):

Ambry Genetics
Classification: Uncertain significance for Inborn genetic diseases. Last evaluated: 2024-12-20. Review status: criteria provided, single submitter. Criteria: Ambry Variant Classification Scheme 2023. Collection method: clinical testing. Allele origin: germline.
Comment: The p.T665R variant (also known as c.1994C>G), located in coding exon 22 of the FANCA gene, results from a C to G substitution at nucleotide position 1994. The threonine at codon 665 is replaced by arginine, an amino acid with similar properties. This amino acid position is conserved. In addition, the in silico prediction for this alteration is inconclusive. Based on the available evidence, the clinical significance of this variant remains unclear.

Labcorp Genetics (formerly Invitae), Labcorp
Classification: Uncertain significance for Fanconi anemia. Last evaluated: 2022-07-01. Review status: criteria provided, single submitter. Criteria: Invitae Variant Classification Sherloc (09022015). Collection method: clinical testing. Allele origin: germline.
Comment: This sequence change replaces threonine, which is neutral and polar, with arginine, which is basic and polar, at codon 665 of the FANCA protein (p.Thr665Arg). This variant is present in population databases (no rsID available, gnomAD 0.004%). This variant has not been reported in the literature in individuals affected with FANCA-related conditions. ClinVar contains an entry for this variant (Variation ID: 997615). Advanced modeling of protein sequence and biophysical properties (such as structural, functional, and spatial information, amino acid conservation, physicochemical variation, residue mobility, and thermodynamic stability) performed at Invitae indicates that this missense variant is not expected to disrupt FANCA protein function. In summary, the available evidence is currently insufficient to determine the role of this variant in disease. Therefore, it has been classified as a Variant of Uncertain Significance.

Baylor Genetics
Classification: Uncertain significance for Fanconi anemia complementation group A. Last evaluated: 2020-01-08. Review status: criteria provided, single submitter. Criteria: ACMG Guidelines, 2015. Collection method: clinical testing. Allele origin: unknown. Affected: yes. Study: CSER-TexasKidsCanSeq.
Comment: This variant was determined to be of uncertain significance according to ACMG Guidelines, 2015 [PMID:25741868].